The following is an entry in ClinVar:

NM_006516.4(SLC2A1):c.304C>G (p.Leu102Val)

Gene: SLC2A1 (solute carrier family 2 member 1; minus strand). Cytogenetic location: 1p34.2.
Variant type: single nucleotide variant.
Coding change: c.304C>G on transcript NM_006516.4 (MANE Select); coding-DNA position 304, C replaced by G.
Protein change: p.Leu102Val; replaces leucine 102 with valine.
Molecular consequence: missense variant.
Genome position (GRCh38, 1-based): chr1:42,930,838, G>C on the plus strand (C>G on the coding strand, the complement: SLC2A1 is on the minus strand). VCF-style: chr1-42930838-G-C. GRCh37 (hg19) VCF-style: chr1-43396509-G-C.
Other names: short protein forms L102V.
Identifiers: ClinVar variation 3894577 (VCV003894577.1).

ClinVar aggregate classification (germline): Uncertain significance (1 of 4 stars; one submission).

Conditions:
Encephalopathy due to GLUT1 deficiency. Also called: GLUT1 deficiency syndrome 1; GLUT1 deficiency syndrome 1, infantile onset, severe; De Vivo disease; Glucose transporter protein syndrome; Classic Glucose Transporter Type 1 Deficiency Syndrome; GLUCOSE TRANSPORT DEFECT, BLOOD-BRAIN BARRIER. Identifiers: Orphanet 71277, MedGen C4551966, MONDO:0011724, OMIM 606777.

gnomAD v4.1: 1 of 1,600,766 alleles (0.000062%); highest among the groups gnomAD compares: Non-Finnish European, 0.000085%; no homozygotes.

Submission:

MVZ Medizinische Genetik Mainz
Classification: Uncertain significance for Encephalopathy due to GLUT1 deficiency. Last evaluated: 2025-04-14. Review status: criteria provided, single submitter. Criteria: UK Practice Guidelines For Variant Classification V4 01 2020. Collection method: clinical testing. Allele origin: germline. Inheritance: Autosomal dominant inheritance. Affected: yes. Observed: 1 variant allele.
Comment: ACMG Criteria: PM1_SUP,PM2_SUP,PP2